The following is an entry in ClinVar:

NM_145178.4(ATOH7):c.404T>C (p.Leu135Pro)

Gene: ATOH7 (atonal bHLH transcription factor 7; minus strand). Cytogenetic location: 10q21.3.
Variant type: single nucleotide variant.
Coding change: c.404T>C on transcript NM_145178.4 (MANE Select); coding-DNA position 404, T replaced by C.
Protein change: p.Leu135Pro; replaces leucine 135 with proline.
Molecular consequence: missense variant.
Genome position (GRCh38, 1-based): chr10:68,231,274, A>G on the plus strand (T>C on the coding strand, the complement: ATOH7 is on the minus strand). VCF-style: chr10-68231274-A-G. GRCh37 (hg19) VCF-style: chr10-69991031-A-G.
Other names: c.404T>C (NM_145178.2); short protein forms L135P.
Identifiers: ClinVar variation 935848 (VCV000935848.9), dbSNP rs776797595, ClinGen allele CA5523323.

ClinVar aggregate classification (germline): Conflicting classifications of pathogenicity. Review status: criteria provided, conflicting classifications (1 of 4 stars). 2 submissions from 2 submitters: Uncertain significance (1); Likely benign (1). Last evaluated 2025-11-12.

Allele frequency attached by ClinVar (database versions not stated): ExAC 0.00001; gnomAD exomes 0.00001; TOPMed 0.00001; gnomAD 0.00002.
gnomAD v4.1: 15 of 1,605,534 alleles (0.00093%); highest among the groups gnomAD compares: Non-Finnish European, 0.0012%; no homozygotes.

Submissions (2):

Ambry Genetics
Classification: Likely benign. Last evaluated: 2025-11-12. Review status: criteria provided, single submitter. Criteria: Ambry Variant Classification Scheme 2023. Collection method: clinical testing. Allele origin: germline.

Labcorp Genetics (formerly Invitae), Labcorp
Classification: Uncertain significance. Last evaluated: 2022-07-19. Review status: criteria provided, single submitter. Criteria: Invitae Variant Classification Sherloc (09022015). Collection method: clinical testing. Allele origin: germline.
Comment: This sequence change replaces leucine, which is neutral and non-polar, with proline, which is neutral and non-polar, at codon 135 of the ATOH7 protein (p.Leu135Pro). This variant is present in population databases (rs776797595, gnomAD 0.007%). In summary, the available evidence is currently insufficient to determine the role of this variant in disease. Therefore, it has been classified as a Variant of Uncertain Significance. Algorithms developed to predict the effect of missense changes on protein structure and function output the following: SIFT: "Tolerated"; PolyPhen-2: "Benign"; Align-GVGD: "Class C0". The proline amino acid residue is found in multiple mammalian species, which suggests that this missense change does not adversely affect protein function. ClinVar contains an entry for this variant (Variation ID: 935848). This variant has not been reported in the literature in individuals affected with ATOH7-related conditions.